The following is an entry in ClinVar:

NM_020822.3(KCNT1):c.759+6C>T

Gene: KCNT1 (potassium sodium-activated channel subfamily T member 1; plus strand). Cytogenetic location: 9q34.3.
Variant type: single nucleotide variant.
Coding change: c.759+6C>T on transcript NM_020822.3 (MANE Select); 6 bases into the intron after coding-DNA position 759, C replaced by T.
Molecular consequence: intron variant.
Genome position (GRCh38, 1-based): chr9:135,757,387, C>T. VCF-style: chr9-135757387-C-T. GRCh37 (hg19) VCF-style: chr9-138649233-C-T.
Other names: c.615+6C>T (NM_001272003.2).
Identifiers: ClinVar variation 386251 (VCV000386251.6), dbSNP rs1057522462, ClinGen allele CA16605585.
Genomic context (GRCh38, chr9:135,757,387, plus strand): 5'-CATCCCCGTCTTTCTGAACTGCTGGCTGGCCAAGCACGCGCTGGAAAACATGATTGTAAG[C>T]CGGGGCGGGGGGTGCAGCTGGGACTTGGGGGGGCCACCCTCAGCCTCACCGGCCCTGGAA-3'

ClinVar aggregate classification (germline): Conflicting classifications of pathogenicity. Review status: criteria provided, conflicting classifications (1 of 4 stars). 2 submissions from 2 submitters: Uncertain significance (1); Likely benign (1). Last evaluated 2023-05-21.

Conditions:
Developmental and epileptic encephalopathy, 14 (DEE14). Also called: Early infantile epileptic encephalopathy 14. Identifiers: Orphanet 293181, MedGen C3554195, MONDO:0013989, OMIM 614959.
Autosomal dominant nocturnal frontal lobe epilepsy 5. Also called: KCNT1-Related Epilepsy; CILIARY DYSKINESIA, PRIMARY, 28, WITHOUT SITUS INVERSUS; CILIARY DYSKINESIA, PRIMARY, 28, WITH SITUS INVERSUS; Epilepsy, nocturnal frontal lobe, 5. Identifiers: Orphanet 98784, MedGen C3554306, MONDO:0014002, OMIM 615005.

Allele frequency attached by ClinVar (database versions not stated): gnomAD 0.00001.

Submissions (2):

Labcorp Genetics (formerly Invitae), Labcorp
Classification: Uncertain significance for Autosomal dominant nocturnal frontal lobe epilepsy 5; Developmental and epileptic encephalopathy, 14. Last evaluated: 2023-05-21. Review status: criteria provided, single submitter. Criteria: Invitae Variant Classification Sherloc (09022015). Collection method: clinical testing. Allele origin: germline.
Comment: This variant has not been reported in the literature in individuals affected with KCNT1-related conditions. This sequence change falls in intron 9 of the KCNT1 gene. It does not directly change the encoded amino acid sequence of the KCNT1 protein. It affects a nucleotide within the consensus splice site. This variant is not present in population databases (gnomAD no frequency). ClinVar contains an entry for this variant (Variation ID: 386251). Variants that disrupt the consensus splice site are a relatively common cause of aberrant splicing (PMID: 17576681, 9536098). Algorithms developed to predict the effect of sequence changes on RNA splicing suggest that this variant is not likely to affect RNA splicing. In summary, the available evidence is currently insufficient to determine the role of this variant in disease. Therefore, it has been classified as a Variant of Uncertain Significance.

GeneDx
Classification: Likely benign. Last evaluated: 2016-05-25. Review status: criteria provided, single submitter. Criteria: GeneDx Variant Classification (06012015). Collection method: clinical testing. Allele origin: germline. Affected: yes.
Comment: This variant is considered likely benign or benign based on one or more of the following criteria: it is a conservative change, it occurs at a poorly conserved position in the protein, it is predicted to be benign by multiple in silico algorithms, and/or has population frequency not consistent with disease.

Literature cited by the submitters: PubMed 17576681 (cited by Labcorp Genetics (formerly Invitae), Labcorp); PubMed 9536098 (cited by Labcorp Genetics (formerly Invitae), Labcorp).